The following is an entry in ClinVar:

ClinVar aggregate classification (germline): Uncertain significance (1 of 4 stars; one submission).

Conditions:
Joubert syndrome. Also called: CEREBELLOPARENCHYMAL DISORDER IV; JOUBERT-BOLTSHAUSER SYNDROME; Familial aplasia of the vermis. Identifiers: Orphanet 475, MedGen C5979921, MONDO:0018772.
Nephronophthisis. Also called: Juvenile Nephronophthisis. Identifiers: Orphanet 655, MedGen C0687120, MONDO:0019005, HP:0000090.
Meckel-Gruber syndrome. Also called: DYSENCEPHALIA SPLANCHNOCYSTICA; GRUBER SYNDROME; Dysencephalia splachnocystica. Identifiers: Orphanet 564, MedGen C0265215, MONDO:0018921.

Submission:

Labcorp Genetics (formerly Invitae), Labcorp
Classification: Uncertain significance for Joubert syndrome; Meckel-Gruber syndrome; Nephronophthisis. Last evaluated: 2021-04-26. Review status: criteria provided, single submitter. Criteria: Invitae Variant Classification Sherloc (09022015). Collection method: clinical testing. Allele origin: germline.
Comment: In summary, the available evidence is currently insufficient to determine the role of this variant in disease. Therefore, it has been classified as a Variant of Uncertain Significance. Algorithms developed to predict the effect of missense changes on protein structure and function are either unavailable or do not agree on the potential impact of this missense change (SIFT: "Deleterious"; PolyPhen-2: "Benign"; Align-GVGD: "Class C0"). This variant has not been reported in the literature in individuals with CEP290-related conditions. This variant is not present in population databases (ExAC no frequency). This sequence change replaces arginine with serine at codon 532 of the CEP290 protein (p.Arg532Ser). The arginine residue is moderately conserved and there is a moderate physicochemical difference between arginine and serine.

NM_025114.4(CEP290):c.1596A>C (p.Arg532Ser)

Gene: CEP290 (centrosomal protein 290; minus strand). Cytogenetic location: 12q21.32.
Variant type: single nucleotide variant.
Coding change: c.1596A>C on transcript NM_025114.4 (MANE Select); coding-DNA position 1596, A replaced by C.
Protein change: p.Arg532Ser; replaces arginine 532 with serine.
Molecular consequence: missense variant.
Genome position (GRCh38, 1-based): chr12:88,118,670, T>G on the plus strand (A>C on the coding strand, the complement: CEP290 is on the minus strand). VCF-style: chr12-88118670-T-G. GRCh37 (hg19) VCF-style: chr12-88512447-T-G.
Other names: short protein forms R532S.
Identifiers: ClinVar variation 1348768 (VCV001348768.8), dbSNP rs770310236, ClinGen allele CA385979230.